The following is an entry in ClinVar:

ClinVar aggregate classification (germline): Uncertain significance (1 of 4 stars; one submission).

Allele frequency attached by ClinVar (database versions not stated): gnomAD below 0.00001 and 0.00001; TOPMed 0.00001; gnomAD exomes 0.00003 and 0.00006; ExAC 0.00006.
gnomAD v4.1: 43 of 1,612,126 alleles (0.0027%); highest among the groups gnomAD compares: South Asian, 0.043%; 1 homozygote.

Submission:

Labcorp Genetics (formerly Invitae), Labcorp
Classification: Uncertain significance. Last evaluated: 2025-01-12. Review status: criteria provided, single submitter. Criteria: Invitae Variant Classification Sherloc (09022015). Collection method: clinical testing. Allele origin: germline.
Comment: This sequence change replaces aspartic acid, which is acidic and polar, with asparagine, which is neutral and polar, at codon 212 of the ASRGL1 protein (p.Asp212Asn). This variant is present in population databases (rs750771211, gnomAD 0.04%). This variant has not been reported in the literature in individuals affected with ASRGL1-related conditions. ClinVar contains an entry for this variant (Variation ID: 967251). An algorithm developed to predict the effect of missense changes on protein structure and function outputs the following: PolyPhen-2: "Benign". The asparagine amino acid residue is found in multiple mammalian species, which suggests that this missense change does not adversely affect protein function. In summary, the available evidence is currently insufficient to determine the role of this variant in disease. Therefore, it has been classified as a Variant of Uncertain Significance.

NM_001083926.2(ASRGL1):c.634G>A (p.Asp212Asn)

Gene: ASRGL1 (asparaginase and isoaspartyl peptidase 1; plus strand). Cytogenetic location: 11q12.3.
Variant type: single nucleotide variant.
Coding change: c.634G>A on transcript NM_001083926.2 (MANE Select); coding-DNA position 634, G replaced by A.
Protein change: p.Asp212Asn; replaces aspartic acid 212 with asparagine.
Molecular consequence: missense variant.
Genome position (GRCh38, 1-based): chr11:62,391,545, G>A. VCF-style: chr11-62391545-G-A. GRCh37 (hg19) VCF-style: chr11-62159017-G-A.
Other names: c.634G>A, p.Asp212Asn (NM_025080.4); short protein forms D212N.
Identifiers: ClinVar variation 967251 (VCV000967251.9), dbSNP rs750771211, ClinGen allele CA6043298.